The following is an entry in ClinVar:

NM_138387.4(G6PC3):c.119T>C (p.Leu40Pro)

Genes: G6PC3 (glucose-6-phosphatase catalytic subunit 3; plus strand), LOC130060959 (ATAC-STARR-seq lymphoblastoid active region 12250; plus strand). Cytogenetic location: 17q21.31.
Variant type: single nucleotide variant.
Coding change: c.119T>C on transcript NM_138387.4 (MANE Select); coding-DNA position 119, T replaced by C.
Protein change: p.Leu40Pro; replaces leucine 40 with proline.
Molecular consequence: missense variant. On other transcripts: 5 prime UTR variant (3), intron variant (1).
Genome position (GRCh38, 1-based): chr17:44,071,084, T>C. VCF-style: chr17-44071084-T-C. GRCh37 (hg19) VCF-style: chr17-42148452-T-C.
Other names: c.119T>C, p.Leu40Pro (NM_001319945.2); c.-286T>C (NM_001384165.1); c.-421T>C (NM_001384166.1); c.-411T>C (NM_001384167.1); c.-312+370T>C (NM_001384168.1); short protein forms L40P.
Identifiers: ClinVar variation 3852373 (VCV003852373.1).

ClinVar aggregate classification (germline): Uncertain significance (1 of 4 stars; one submission).

Conditions:
Inborn genetic diseases. Identifiers: MedGen C0950123, MeSH D030342.

gnomAD v4.1: 1 of 1,613,536 alleles (0.000062%); highest among the groups gnomAD compares: Non-Finnish European, 0.000085%; no homozygotes.

Submission:

Ambry Genetics
Classification: Uncertain significance for Inborn genetic diseases. Last evaluated: 2025-02-21. Review status: criteria provided, single submitter. Criteria: Ambry Variant Classification Scheme 2023. Collection method: clinical testing. Allele origin: germline.
Comment: The p.L40P variant (also known as c.119T>C), located in coding exon 1 of the G6PC3 gene, results from a T to C substitution at nucleotide position 119. The leucine at codon 40 is replaced by proline, an amino acid with similar properties. This amino acid position is conserved. In addition, the in silico prediction for this alteration is inconclusive. Based on the available evidence, the clinical significance of this variant remains unclear.